The following is an entry in ClinVar:

ClinVar aggregate classification (germline): Uncertain significance (1 of 4 stars; one submission).

Conditions:
THPO-related disorder. Also called: THPO-related condition.

Submission:

PreventionGenetics, part of Exact Sciences
Classification: Uncertain significance for THPO-related condition. Last evaluated: 2026-04-15. Review status: criteria provided, single submitter. Criteria: ACMG Guidelines, 2015. Collection method: clinical testing. Allele origin: germline.
Comment: The THPO c.1057G>T variant is predicted to result in the amino acid substitution p.Gly353Trp. To our knowledge, this variant has not been reported in the literature or in a large population database (gnomAD), indicating this variant is rare. At this time, the clinical significance of this variant is uncertain due to the absence of conclusive functional and genetic evidence.

NM_000460.4(THPO):c.1057G>T (p.Gly353Trp)

Gene: THPO (thrombopoietin; minus strand). Cytogenetic location: 3q27.1.
Variant type: single nucleotide variant.
Coding change: c.1057G>T on transcript NM_000460.4 (MANE Select); coding-DNA position 1057, G replaced by T.
Protein change: p.Gly353Trp; replaces glycine 353 with tryptophan.
Molecular consequence: missense variant. On other transcripts: 3 prime UTR variant (4).
Genome position (GRCh38, 1-based): chr3:184,372,518, C>A on the plus strand (G>T on the coding strand, the complement: THPO is on the minus strand). VCF-style: chr3-184372518-C-A. GRCh37 (hg19) VCF-style: chr3-184090306-C-A.
Other names: c.1045G>T, p.Gly349Trp (NM_001177597.2, NM_001290022.1); c.*80G>T (NM_001177598.2, NM_001289997.1, NM_001290026.1 and 1 more transcripts); c.1057G>T, p.Gly353Trp (NM_001289998.1, NM_001290028.1); c.1477G>T, p.Gly493Trp (NM_001290003.1); short protein forms G349W, G353W, G493W.
Identifiers: ClinVar variation 4996139 (VCV004996139.1).
Genomic context (GRCh38, chr3:184,372,518, plus strand): 5'-GCAGGGAAGGGAGCTGTACACGAGACAATGCTGATGTCGGCAGTGTCTGAGAACCTTACC[C>A]TTCCTGAGACAGATTCTGGGAGTGGGTGTAGGATGTGTTTAGAAGAGGGCTGGTAGGGGT-3'
Protein context (NP_000451.1, residues 343-353): YTHSQNLSQE[Gly353Trp]